The following is an entry in ClinVar:

NM_004385.5(VCAN):c.2603T>A (p.Val868Asp)

Gene: VCAN (versican; plus strand). Cytogenetic location: 5q14.3.
Variant type: single nucleotide variant.
Coding change: c.2603T>A on transcript NM_004385.5 (MANE Select); coding-DNA position 2603, T replaced by A.
Protein change: p.Val868Asp; replaces valine 868 with aspartic acid.
Molecular consequence: missense variant. On other transcripts: intron variant (2).
Genome position (GRCh38, 1-based): chr5:83,520,909, T>A. VCF-style: chr5-83520909-T-A. GRCh37 (hg19) VCF-style: chr5-82816728-T-A.
Other names: c.2603T>A, p.Val868Asp (NM_001164098.2); c.1042+8513T>A (NM_001164097.2, NM_001126336.3); short protein forms V868D.
Identifiers: ClinVar variation 1424346 (VCV001424346.6), dbSNP rs2112410420, ClinGen allele CA360304293.
Genomic context (GRCh38, chr5:83,520,909, plus strand): 5'-AAGATGGAGCAGATGAATTTACTCTTATTCCAGATAGTACTCAAAAGCAGTTAGAGGAGG[T>A]TACTGATGAAGACATAGCAGCCCATGGAAAATTCACAATTAGATTTCAGCCAACTACATC-3'
Protein context (NP_004376.2, residues 858-878): PDSTQKQLEE[Val868Asp]TDEDIAAHGK

ClinVar aggregate classification (germline): Uncertain significance (1 of 4 stars; one submission).

Submission:

Labcorp Genetics (formerly Invitae), Labcorp
Classification: Uncertain significance. Last evaluated: 2023-07-17. Review status: criteria provided, single submitter. Criteria: Invitae Variant Classification Sherloc (09022015). Collection method: clinical testing. Allele origin: germline.
Comment: This sequence change replaces valine, which is neutral and non-polar, with aspartic acid, which is acidic and polar, at codon 868 of the VCAN protein (p.Val868Asp). In summary, the available evidence is currently insufficient to determine the role of this variant in disease. Therefore, it has been classified as a Variant of Uncertain Significance. An algorithm developed to predict the effect of missense changes on protein structure and function (PolyPhen-2) suggests that this variant is likely to be tolerated. ClinVar contains an entry for this variant (Variation ID: 1424346). This variant has not been reported in the literature in individuals affected with VCAN-related conditions. This variant is not present in population databases (gnomAD no frequency).